The following is an entry in ClinVar:

NM_000275.3(OCA2):c.794G>A (p.Arg265Gln)

Gene: OCA2 (OCA2 melanosomal transmembrane protein; minus strand). Cytogenetic location: 15q13.1.
Variant type: single nucleotide variant.
Coding change: c.794G>A on transcript NM_000275.3 (MANE Select); coding-DNA position 794, G replaced by A.
Protein change: p.Arg265Gln; replaces arginine 265 with glutamine.
Molecular consequence: missense variant.
Genome position (GRCh38, 1-based): chr15:28,018,410, C>T on the plus strand (G>A on the coding strand, the complement: OCA2 is on the minus strand). VCF-style: chr15-28018410-C-T. GRCh37 (hg19) VCF-style: chr15-28263556-C-T.
Other names: c.794G>A, p.Arg265Gln (NM_001300984.2); short protein forms R265Q.
Identifiers: ClinVar variation 1422057 (VCV001422057.4), dbSNP rs567007076, ClinGen allele CA7439356.
Genomic context (GRCh38, chr15:28,018,410, plus strand): 5'-ATGAAATGAGATTTCACAATTCCTTTCAAATAAATTATCAGCATAACCTGCTGTGGCCGC[C>T]GCCACCTGGAGCCCAAAGCGTCAGCCTGGGTCAGCTCCACCACGATGTGCTCTTCCCTCC-3'
Protein context (NP_000266.2, residues 255-275): TQADALGSRW[Arg265Gln]RPQQVTHNWT

ClinVar aggregate classification (germline): Uncertain significance (1 of 4 stars; one submission).

Allele frequency attached by ClinVar (database versions not stated): gnomAD exomes below 0.00001 and 0.00002; gnomAD 0.00001; ExAC 0.00002; 1000 Genomes Project 30x 0.00016; 1000 Genomes Project 0.00020.
gnomAD v4.1: 5 of 1,614,074 alleles (0.00031%); highest among the groups gnomAD compares: East Asian, 0.0045%; no homozygotes.

Submission:

Labcorp Genetics (formerly Invitae), Labcorp
Classification: Uncertain significance. Last evaluated: 2022-07-15. Review status: criteria provided, single submitter. Criteria: Invitae Variant Classification Sherloc (09022015). Collection method: clinical testing. Allele origin: germline.
Comment: This sequence change replaces arginine, which is basic and polar, with glutamine, which is neutral and polar, at codon 265 of the OCA2 protein (p.Arg265Gln). This variant is present in population databases (rs567007076, gnomAD 0.01%). This variant has not been reported in the literature in individuals affected with OCA2-related conditions. ClinVar contains an entry for this variant (Variation ID: 1422057). Advanced modeling of protein sequence and biophysical properties (such as structural, functional, and spatial information, amino acid conservation, physicochemical variation, residue mobility, and thermodynamic stability) performed at Invitae indicates that this missense variant is not expected to disrupt OCA2 protein function. In summary, the available evidence is currently insufficient to determine the role of this variant in disease. Therefore, it has been classified as a Variant of Uncertain Significance.